The following is an entry in ClinVar:

NM_003738.5(PTCH2):c.791C>A (p.Ala264Asp)

Gene: PTCH2 (patched 2; minus strand). Cytogenetic location: 1p34.1.
Variant type: single nucleotide variant.
Coding change: c.791C>A on transcript NM_003738.5 (MANE Select); coding-DNA position 791, C replaced by A.
Protein change: p.Ala264Asp; replaces alanine 264 with aspartic acid.
Molecular consequence: missense variant.
Genome position (GRCh38, 1-based): chr1:44,830,870, G>T on the plus strand (C>A on the coding strand, the complement: PTCH2 is on the minus strand). VCF-style: chr1-44830870-G-T. GRCh37 (hg19) VCF-style: chr1-45296542-G-T.
Other names: c.791C>A, p.Ala264Asp (NM_001166292.2); short protein forms A264D.
Identifiers: ClinVar variation 1495070 (VCV001495070.6), dbSNP rs1653415175, ClinGen allele CA340105853.

ClinVar aggregate classification (germline): Uncertain significance (1 of 4 stars; one submission).

Conditions:
Gorlin syndrome. Also called: Nevoid Basal Cell Carcinoma Syndrome; Basal cell nevus syndrome. Identifiers: Orphanet 377, MedGen C0004779, MONDO:0007187.

Allele frequency attached by ClinVar (database versions not stated): TOPMed below 0.00001.

Submission:

Labcorp Genetics (formerly Invitae), Labcorp
Classification: Uncertain significance for Gorlin syndrome. Last evaluated: 2021-10-04. Review status: criteria provided, single submitter. Criteria: Invitae Variant Classification Sherloc (09022015). Collection method: clinical testing. Allele origin: germline.
Comment: In summary, the available evidence is currently insufficient to determine the role of this variant in disease. Therefore, it has been classified as a Variant of Uncertain Significance. Algorithms developed to predict the effect of missense changes on protein structure and function are either unavailable or do not agree on the potential impact of this missense change (SIFT: "Deleterious"; PolyPhen-2: "Probably Damaging"; Align-GVGD: "Class C0"). This variant has not been reported in the literature in individuals affected with PTCH2-related conditions. This variant is not present in population databases (ExAC no frequency). This sequence change replaces alanine with aspartic acid at codon 264 of the PTCH2 protein (p.Ala264Asp). The alanine residue is moderately conserved and there is a moderate physicochemical difference between alanine and aspartic acid.